The following is an entry in ClinVar:

NM_005732.4(RAD50):c.130A>T (p.Thr44Ser)

Gene: RAD50 (RAD50 double strand break repair protein; plus strand). Cytogenetic location: 5q31.1.
Variant type: single nucleotide variant.
Coding change: c.130A>T on transcript NM_005732.4 (MANE Select); coding-DNA position 130, A replaced by T.
Protein change: p.Thr44Ser; replaces threonine 44 with serine.
Molecular consequence: missense variant.
Genome position (GRCh38, 1-based): chr5:132,559,284, A>T. VCF-style: chr5-132559284-A-T. GRCh37 (hg19) VCF-style: chr5-131894976-A-T.
Other names: short protein forms T44S.
Identifiers: ClinVar variation 232646 (VCV000232646.17), dbSNP rs377388354, ClinGen allele CA3404915.
Genomic context (GRCh38, chr5:132,559,284, plus strand): 5'-TTTATGGTAAACTTCTGTGGTTCTCTTATAACGAAATAATGTAATTTTCTATTTCTTTAG[A>T]CCATCATTGAATGTCTAAAATATATTTGTACTGGAGATTTCCCTCCTGGAACCAAAGGAA-3'
Protein context (NP_005723.2, residues 34-54): LVGPNGAGKT[Thr44Ser]IIECLKYICT

ClinVar aggregate classification (germline): Uncertain significance. Review status: criteria provided, multiple submitters, no conflicts (2 of 4 stars). 4 submissions from 4 submitters: Uncertain significance (4). Last evaluated 2025-12-17.

Conditions:
Hereditary cancer-predisposing syndrome. Also called: Neoplastic Syndromes, Hereditary; Tumor predisposition; Hereditary Cancer Syndrome; Hereditary neoplastic syndrome. Identifiers: Orphanet 140162, MedGen C0027672, MeSH D009386, MONDO:0015356.
Nijmegen breakage syndrome-like disorder (NBSLD). Also called: MICROCEPHALY AND SPONTANEOUS CHROMOSOME INSTABILITY WITHOUT IMMUNODEFICIENCY; NBS-LIKE DISORDER; RAD50 DEFICIENCY. Identifiers: Orphanet 240760, MedGen C2751318, MONDO:0013118, OMIM 613078.

Allele frequency attached by ClinVar (database versions not stated): TOPMed below 0.00001; gnomAD 0.00001; gnomAD exomes 0.00001 and 0.00002; ExAC 0.00003; ESP Exome Variant Server 0.00008.
gnomAD v4.1: 15 of 1,600,622 alleles (0.00094%); highest among the groups gnomAD compares: Middle Eastern, 0.018%; no homozygotes.

Submissions (4):

Labcorp Genetics (formerly Invitae), Labcorp
Classification: Uncertain significance for Hereditary cancer-predisposing syndrome. Last evaluated: 2025-12-17. Review status: criteria provided, single submitter. Criteria: Invitae Variant Classification Sherloc (09022015). Collection method: clinical testing. Allele origin: germline.
Comment: This sequence change replaces threonine, which is neutral and polar, with serine, which is neutral and polar, at codon 44 of the RAD50 protein (p.Thr44Ser). This variant is present in population databases (rs377388354, gnomAD 0.006%). This variant has not been reported in the literature in individuals affected with RAD50-related conditions. ClinVar contains an entry for this variant (Variation ID: 232646). An algorithm developed to predict the effect of missense changes on protein structure and function (PolyPhen-2) suggests that this variant is likely to be disruptive. RNA analysis performed to evaluate the impact of this missense change on mRNA splicing indicates it does not significantly alter splicing (internal data). In summary, the available evidence is currently insufficient to determine the role of this variant in disease. Therefore, it has been classified as a Variant of Uncertain Significance.

Ambry Genetics
Classification: Uncertain significance for Hereditary cancer-predisposing syndrome. Last evaluated: 2025-09-10. Review status: criteria provided, single submitter. Criteria: Ambry Variant Classification Scheme 2023. Collection method: clinical testing. Allele origin: germline.
Comment: The p.T44S variant (also known as c.130A>T), located in coding exon 2 of the RAD50 gene, results from a A to T substitution at nucleotide position 130. This variant impacts the first base pair of coding exon 2. The threonine at codon 44 is replaced by serine, an amino acid with similar properties. This amino acid position is highly conserved in available vertebrate species. In addition, the in silico prediction for this alteration is inconclusive. Since supporting evidence is limited at this time, the clinical significance of this alteration remains unclear.

Quest Diagnostics Nichols Institute San Juan Capistrano
Classification: Uncertain significance. Last evaluated: 2025-01-10. Review status: criteria provided, single submitter. Criteria: Quest Diagnostics criteria. Collection method: clinical testing. Allele origin: unknown.
Comment: The RAD50 c.130A>T (p.Thr44Ser) variant has been detected in individuals with breast cancer as well as reportedly healthy individuals (PMIDs: 33471991 (2021) and 39126233 (2024), see also LOVD). The frequency of this variant in the general population (Genome Aggregation Database) is uninformative in the assessment of its pathogenicity. Analysis of this variant using bioinformatics tools for the prediction of the effect of amino acid changes on protein structure and function yielded conflicting predictions that this variant is benign or damaging. Based on the available information, we are unable to determine the clinical significance of this variant.

Revvity Omics, Revvity
Classification: Uncertain significance for Nijmegen breakage syndrome-like disorder. Last evaluated: 2021-10-27. Review status: criteria provided, single submitter. Criteria: ACMG Guidelines, 2015. Collection method: clinical testing. Allele origin: germline.

Literature cited by the submitters: PubMed 33471991 (cited by Quest Diagnostics Nichols Institute San Juan Capistrano); PubMed 39126233 (cited by Quest Diagnostics Nichols Institute San Juan Capistrano); PubMed 36531003 (cited by Quest Diagnostics Nichols Institute San Juan Capistrano).